The following is an entry in ClinVar:

ClinVar aggregate classification (germline): Conflicting classifications of pathogenicity. Review status: criteria provided, conflicting classifications (1 of 4 stars). 6 submissions from 6 submitters: Uncertain significance (4); Likely benign (2). Last evaluated 2026-01-31.

Conditions:
Cardiovascular phenotype. Identifiers: MedGen CN230736.
Hereditary cancer-predisposing syndrome. Also called: Tumor predisposition; Hereditary Cancer Syndrome; Hereditary neoplastic syndrome; Neoplastic Syndromes, Hereditary. Identifiers: Orphanet 140162, MedGen C0027672, MeSH D009386, MONDO:0015356.
Neurofibromatosis, type 1 (NF1). Also called: VON RECKLINGHAUSEN DISEASE; NEUROFIBROMATOSIS, TYPE I, SOMATIC; Peripheral type neurofibromatosis; Neurofibromatosis, type I. Identifiers: Orphanet 636, MedGen C0027831, MONDO:0018975, OMIM 162200. Disease mechanism: loss of function.

Allele frequency attached by ClinVar (database versions not stated): ExAC 0.00002; gnomAD exomes 0.00002; TOPMed 0.00002; gnomAD 0.00003 and 0.00004.
gnomAD v4.1: 57 of 1,613,820 alleles (0.0035%); highest among the groups gnomAD compares: East Asian, 0.018%; no homozygotes.

Submissions (6):

Labcorp Genetics (formerly Invitae), Labcorp
Classification: Likely benign for Neurofibromatosis, type 1. Last evaluated: 2026-01-31. Review status: criteria provided, single submitter. Criteria: Invitae Variant Classification Sherloc (09022015). Collection method: clinical testing. Allele origin: germline.

Quest Diagnostics Nichols Institute San Juan Capistrano
Classification: Uncertain significance. Last evaluated: 2025-06-23. Review status: criteria provided, single submitter. Criteria: Quest Diagnostics criteria. Collection method: clinical testing. Allele origin: unknown.

Genome-Nilou Lab
Classification: Uncertain significance for Neurofibromatosis, type 1. Last evaluated: 2022-03-15. Review status: criteria provided, single submitter. Criteria: ACMG Guidelines, 2015. Collection method: clinical testing. Allele origin: germline. Affected: no.

GeneDx
Classification: Uncertain significance. Last evaluated: 2021-09-22. Review status: criteria provided, single submitter. Criteria: GeneDx Variant Classification Process June 2021. Collection method: clinical testing. Allele origin: germline. Affected: yes.
Comment: In silico analysis, which includes protein predictors and evolutionary conservation, supports a deleterious effect Observed in individuals with breast cancer, but also in unaffected controls (Momozawa 2018) This variant is associated with the following publications: (PMID: 31627758, 29684080, 30287823)

Ambry Genetics
Classification: Likely benign for Cardiovascular phenotype; Hereditary cancer-predisposing syndrome. Last evaluated: 2021-01-12. Review status: criteria provided, single submitter. Criteria: Ambry Variant Classification Scheme 2023. Collection method: clinical testing. Allele origin: germline.

Genome Diagnostics Laboratory, The Hospital for Sick Children
Classification: Uncertain significance for Neurofibromatosis, type 1. Last evaluated: 2020-10-26. Review status: criteria provided, single submitter. Criteria: ACMG Guidelines, 2015. Collection method: clinical testing. Allele origin: germline. Affected: yes.

NM_001042492.3(NF1):c.4445T>C (p.Ile1482Thr)

Gene: NF1 (neurofibromin 1; plus strand). Cytogenetic location: 17q11.2.
Variant type: single nucleotide variant.
Coding change: c.4445T>C on transcript NM_001042492.3 (MANE Select); coding-DNA position 4445, T replaced by C.
Protein change: p.Ile1482Thr; replaces isoleucine 1482 with threonine.
Molecular consequence: missense variant.
Genome position (GRCh38, 1-based): chr17:31,260,383, T>C. VCF-style: chr17-31260383-T-C. GRCh37 (hg19) VCF-style: chr17-29587401-T-C.
Other names: c.4382T>C, p.Ile1461Thr (NM_000267.4); short protein forms I1461T, I1482T.
Identifiers: ClinVar variation 237567 (VCV000237567.21), dbSNP rs746994734, ClinGen allele CA8486424.
Genomic context (GRCh38, chr17:31,260,383, plus strand): 5'-GGGTGTATCTGGTGTTGAAAATTCTAATGACTTTGCATTTTTGAAGGTTTTTCCTTGATA[T>C]AGCATCTGATTGTCCTACAAGTGATGCAGTAAATCATAGTCTTTCCTTCATAAGTGACGG-3'
Protein context (NP_001035957.1, residues 1472-1492): FDAARRFFLD[Ile1482Thr]ASDCPTSDAV